The following is an entry in ClinVar:

ClinVar aggregate classification (germline): Likely pathogenic. Review status: reviewed by expert panel (3 of 4 stars). 10 submissions from 10 submitters: Likely pathogenic (1). 9 of the submissions do not count toward it. Last evaluated 2022-03-16.

Conditions:
Hereditary cancer-predisposing syndrome. Also called: Hereditary Cancer Syndrome; Neoplastic Syndromes, Hereditary; Tumor predisposition; Hereditary neoplastic syndrome. Identifiers: Orphanet 140162, MedGen C0027672, MeSH D009386, MONDO:0015356.
Familial cancer of breast. Also called: BREAST CANCER, FAMILIAL; Hereditary breast cancer; hereditary breast carcinoma. Identifiers: Orphanet 227535, MedGen C0346153, MONDO:0016419, OMIM 114480. Disease mechanism: loss of function.
Ataxia-telangiectasia syndrome (AT). Also called: Cerebello-oculocutaneous telangiectasia; Immunodeficiency with ataxia telangiectasia; Ataxia-telangiectasia, complementation group E; Ataxia-telangiectasia, complementation group D; AT, COMPLEMENTATION GROUP C; ATAXIA-TELANGIECTASIA, COMPLEMENTATION GROUP A. Identifiers: Orphanet 100, MedGen C0004135, MONDO:0008840, OMIM 208900.
ATM-related cancer predisposition. Also called: ATM-related cancer susceptibility. Identifiers: MedGen CN377759, MONDO:0700270.

Allele frequency attached by ClinVar (database versions not stated): TOPMed 0.00001; gnomAD 0.00001.
gnomAD v4.1: 2 of 1,613,706 alleles (0.00012%); highest among the groups gnomAD compares: Non-Finnish European, 0.000085%; no homozygotes.

Submissions (10):

ClinGen Hereditary Breast, Ovarian and Pancreatic Cancer Variant Curation Expert Panel, ClinGen
Classification: Likely pathogenic for ATM-related cancer predisposition. Last evaluated: 2022-03-16. Review status: reviewed by expert panel. Criteria: clingen hbop acmg specifications atm v1-1. Collection method: curation. Allele origin: germline. Inheritance: Autosomal dominant inheritance.
Comment: The ATM c.8546G>C (p.Arg2849Pro) variant has been observed in a compound heterozygous state (presumed) in an individual with biallelic disease and in heterozygosity in an individual with biallelic disease with a second variant unidentified (PM3, PMID: 23667852, PMID: 9887333). This variant is non-functional in multiple different protein assays (PS3_Moderate, PMID: 11805335). In silico protein predictors (ALIGN GVGD: Class C65; REVEL: 0.919; SIFT: damaging; PolyPhen2: probably damaging) predict that this alteration is deleterious (PP3). This variant is absent in gnomAD v2.1.1 (PM2_Supporting). In summary, this variant meets criteria to be classified as likely pathogenic based on the ACMG/AMP criteria applied as specified by the HBOP Variant Curation Expert Panel.

Department of Clinical Genetics, Copenhagen University Hospital, Rigshospitalet
Classification: Likely pathogenic for Familial cancer of breast; Ataxia-telangiectasia syndrome. Last evaluated: 2026-04-07. Review status: criteria provided, single submitter. Criteria: ACMG Guidelines, 2015. Collection method: clinical testing. Allele origin: germline. Not counted in ClinVar's aggregate classification.
Comment: The following ACMG criteria has been used: PM2_SUP; PP3 (REVEL >.7333); PM3 (PMID: 23667852; PMID: 9887333); PS3_MOD (PMID: 11805335; PMID: 40580951).

GeneDx
Classification: Pathogenic. Last evaluated: 2026-02-19. Review status: criteria provided, single submitter. Criteria: GeneDx Variant Classification Process June 2021. Collection method: clinical testing. Allele origin: germline. Not counted in ClinVar's aggregate classification.
Comment: Not observed at significant frequency in large population cohorts (gnomAD); In silico analysis supports that this missense variant has a deleterious effect on protein structure/function; This variant is associated with the following publications: (PMID: 23667852, 11805335, 15279808, 31097817, 9887333, 22529920, 16652348, 38854136, 23532176, 35585550)

Labcorp Genetics (formerly Invitae), Labcorp
Classification: Likely pathogenic for Ataxia-telangiectasia syndrome. Last evaluated: 2025-12-09. Review status: criteria provided, single submitter. Criteria: Invitae Variant Classification Sherloc (09022015). Collection method: clinical testing. Allele origin: germline. Not counted in ClinVar's aggregate classification.
Comment: This sequence change replaces arginine, which is basic and polar, with proline, which is neutral and non-polar, at codon 2849 of the ATM protein (p.Arg2849Pro). This variant is not present in population databases (gnomAD no frequency). This missense change has been observed in individuals with ataxia-telangiectasia (PMID: 9887333, 23667852). ClinVar contains an entry for this variant (Variation ID: 490737). Invitae Evidence Modeling of protein sequence and biophysical properties (such as structural, functional, and spatial information, amino acid conservation, physicochemical variation, residue mobility, and thermodynamic stability) indicates that this missense variant is expected to disrupt ATM protein function with a positive predictive value of 95%. Experimental studies have shown that this missense change affects ATM function (PMID: 11805335). In summary, the currently available evidence indicates that the variant is pathogenic, but additional data are needed to prove that conclusively. Therefore, this variant has been classified as Likely Pathogenic.

Dasa
Classification: Likely pathogenic for ATM-related cancer predisposition. Last evaluated: 2025-09-30. Review status: criteria provided, single submitter. Criteria: DASA Assertion Criteria. Collection method: clinical testing. Allele origin: germline. Not counted in ClinVar's aggregate classification.
Comment: NM_000051.4(ATM):c.8546G>C (p.Arg2849Pro) is a missense variant that results in the substitution of arginine with proline. This variant has been reported in individuals with ATM-related cancer predisposition (PMID: 23667852). Functional evidence supports an impact on the gene or gene product (PMID: 23667852). Also, this variant is rare in population databases. Computational evidence supports a deleterious effect. Based on the currently available evidence, this variant is classified as likely pathogenic.

Myriad Genetics, Inc.
Classification: Likely pathogenic for Familial cancer of breast. Last evaluated: 2025-06-11. Review status: criteria provided, single submitter. Criteria: Myriad Autosomal Dominant, Autosomal Recessive and X-Linked Classification Criteria (2023). Collection method: clinical testing. Allele origin: unknown. Not counted in ClinVar's aggregate classification.
Comment: This variant is considered likely pathogenic. Functional studies indicate this variant impacts protein function [PMID: 11805335]. This variant is expected to disrupt protein structure [Myriad internal data]. This variant has been reported in multiple individuals with clinical features of gene-specific disease [PMID: 9887333, 23667852].

Women's Health and Genetics/Laboratory Corporation of America, LabCorp
Classification: Likely pathogenic for Ataxia-telangiectasia syndrome. Last evaluated: 2024-05-23. Review status: criteria provided, single submitter. Criteria: LabCorp Variant Classification Summary - May 2015. Collection method: clinical testing. Allele origin: germline. Not counted in ClinVar's aggregate classification.
Comment: Variant summary: ATM c.8546G>C (p.Arg2849Pro) results in a non-conservative amino acid change located in the Phosphatidylinositol 3-/4-kinase, catalytic domain (IPR000403) of the encoded protein sequence. Five of five in-silico tools predict a damaging effect of the variant on protein function. The variant was absent in 251104 control chromosomes. c.8546G>C has been reported in the literature in individuals affected with Ataxia-Telangiectasia (Huh_2013, Sandoval_1999). These data indicate that the variant may be associated with disease. At least two publications report experimental evidence evaluating an impact on protein function. The most pronounced variant effect results in <10% of normal ATM activity and diminished ATM proteins (Scott_2001, Sandoval_1999). The following publications have been ascertained in the context of this evaluation (PMID: 23667852, 9887333, 11805335). ClinVar contains an entry for this variant (Variation ID: 490737). Based on the evidence outlined above, the variant was classified as likely pathogenic.

Color Diagnostics, LLC DBA Color Health
Classification: Likely pathogenic for Hereditary cancer-predisposing syndrome. Last evaluated: 2024-02-12. Review status: criteria provided, single submitter. Criteria: ACMG Guidelines, 2015. Collection method: clinical testing. Allele origin: germline. Not counted in ClinVar's aggregate classification.
Comment: This missense variant replaces arginine with proline at codon 2849 of the ATM protein. The reference arginine 2849 is invariant and is located in the kinase domain and structural studies on ATM and its yeast homolog have suggested that this variant may affect ATM stabilization (PMID: 28508083, 31097817). Computational prediction suggests that this variant may have deleterious impact on protein structure and function. A functional study reported that this variant lacks detectable kinase activity and may act in a dominant-negative fashion to repress wild-type ATM activity (PMID: 11805335). This variant has been reported in individuals affected with ataxia-telangiectasia (PMID: 23667852, 9887333). This variant has not been identified in the general population by the Genome Aggregation Database (gnomAD). Based on the available evidence, this variant is classified as Likely Pathogenic.

Ambry Genetics
Classification: Pathogenic for Hereditary cancer-predisposing syndrome. Last evaluated: 2023-09-27. Review status: criteria provided, single submitter. Criteria: Ambry Variant Classification Scheme 2023. Collection method: clinical testing. Allele origin: germline. Not counted in ClinVar's aggregate classification.
Comment: The p.R2849P pathogenic mutation (also known as c.8546G>C), located in coding exon 57 of the ATM gene, results from a G to C substitution at nucleotide position 8546. The arginine at codon 2849 is replaced by proline, an amino acid with dissimilar properties. This mutation has been detected in two Korean siblings with ataxia-telangiectasia (AT). A second mutation was also detected in the ATM gene in these siblings, however the phase of these two alterations (cis or trans) was not confirmed (Huh HJ et al. Ann Lab Med, 2013 May;33:217-20). Functional studies suggest that this alteration disrupts ATM kinase activity and increases radiosensitivity (Scott SP et al. Proc. Natl. Acad. Sci. U.S.A., 2002 Jan;99:925-30). Based on internal structural analysis, this alteration disrupts interactions between the kinase and FAT domains of ATM and is more destabilizing than nearby pathogenic variants (Lavin MF et al. DNA Repair (Amst.);3:1197-205; Bareti D et al. Sci Adv, 2017 May;3:e1700933; Xin J et al. Cell Res., 2019 08;29:655-665). This variant was not reported in population-based cohorts in the Genome Aggregation Database (gnomAD). This amino acid position is highly conserved in available vertebrate species. In addition, this alteration is predicted to be deleterious by in silico analysis. Based on the supporting evidence, this alteration is interpreted as a disease-causing mutation.

Baylor Genetics
Classification: Likely pathogenic for Familial cancer of breast. Last evaluated: 2022-09-19. Review status: criteria provided, single submitter. Criteria: ACMG Guidelines, 2015. Collection method: clinical testing. Allele origin: unknown. Not counted in ClinVar's aggregate classification.

Literature cited by the submitters: PubMed 23667852 (cited by 7 submitters); PubMed 9887333 (cited by 7 submitters); PubMed 11805335 (cited by 7 submitters); PubMed 40580951 (cited by Department of Clinical Genetics, Copenhagen University Hospital, Rigshospitalet); PubMed 28508083 (cited by Color Diagnostics, LLC DBA Color Health and Ambry Genetics); PubMed 31097817 (cited by Color Diagnostics, LLC DBA Color Health and Ambry Genetics); PubMed 15279808 (cited by Ambry Genetics).

NM_000051.4(ATM):c.8546G>C (p.Arg2849Pro)

Genes: ATM (ATM serine/threonine kinase; plus strand), C11orf65 (chromosome 11 open reading frame 65; minus strand). Cytogenetic location: 11q22.3.
Variant type: single nucleotide variant.
Coding change: c.8546G>C on transcript NM_000051.4 (MANE Select); coding-DNA position 8546, G replaced by C.
Protein change: p.Arg2849Pro; replaces arginine 2849 with proline.
Molecular consequence: missense variant. On other transcripts: intron variant (2).
Genome position (GRCh38, 1-based): chr11:108,345,870, G>C. VCF-style: chr11-108345870-G-C. GRCh37 (hg19) VCF-style: chr11-108216597-G-C.
Other names: NM_000051.3(ATM):c.8546G>C; p.Arg2849Pro; c.8546G>C, p.Arg2849Pro (NM_001351834.2); c.641-36799C>G (NM_001330368.2); c.695-10578C>G (NM_001351110.2); short protein forms R2849P.
Identifiers: ClinVar variation 490737 (VCV000490737.26), dbSNP rs587782202, ClinGen allele CA382518439.